The following is an entry in ClinVar:

ClinVar aggregate classification (germline): Uncertain significance (0 of 4 stars; one submission).

Conditions:
SMAD2-congenital heart disease and multiple congenital anomaly disorder.

Submission:

Clinical Genomics Laboratory, Stanford Medicine
Classification: Uncertain significance for SMAD2-congenital heart disease and multiple congenital anomaly disorder. Last evaluated: 2019-03-14. Review status: no assertion criteria provided. Collection method: clinical testing. Allele origin: germline. Inheritance: Autosomal dominant inheritance. Affected: yes.
Comment: This variant was absent from large population databases, including the Genome Aggregation Database. The p.Ser306Leu variant is located in the MH2 domain of SMAD2. Other pathogenic and likely pathogenic variants have been described in this highly conserved domain and are predicted to disrupt protein function. Computational tools predict that the p.Ser306Leu variant is deleterious; however, the accuracy of in silico algorithms is limited. These data were assessed using the ACMG/AMP variant interpretation guidelines. In summary, the significance of the p.Ser306Leu variant is uncertain. Additional information regarding the functional impact of this specific variant, and elucidation of the phenotypic spectrum of SMAD2-related disorders is needed to resolve the significance of this variant. [ACMG evidence codes used: PS2_supporting, PM2, PP3, PM1_supporting]

NM_005901.6(SMAD2):c.917C>T (p.Ser306Leu)

Gene: SMAD2 (SMAD family member 2; minus strand). Cytogenetic location: 18q21.1.
Variant type: single nucleotide variant.
Coding change: c.917C>T on transcript NM_005901.6 (MANE Select); coding-DNA position 917, C replaced by T.
Protein change: p.Ser306Leu; replaces serine 306 with leucine.
Molecular consequence: missense variant.
Genome position (GRCh38, 1-based): chr18:47,848,555, G>A on the plus strand (C>T on the coding strand, the complement: SMAD2 is on the minus strand). VCF-style: chr18-47848555-G-A. GRCh37 (hg19) VCF-style: chr18-45374926-G-A.
Other names: c.917C>T, p.Ser306Leu (NM_001003652.4); c.827C>T, p.Ser276Leu (NM_001135937.3); short protein forms S276L, S306L.
Identifiers: ClinVar variation 976444 (VCV000976444.1), dbSNP rs756901143, ClinGen allele CA402504411.